The following is an entry in ClinVar:

NM_000093.5(COL5A1):c.921C>T (p.Pro307=)

Gene: COL5A1 (collagen type V alpha 1 chain; plus strand). Cytogenetic location: 9q34.3.
Variant type: single nucleotide variant.
Coding change: c.921C>T on transcript NM_000093.5 (MANE Select); coding-DNA position 921, C replaced by T.
Protein change: p.Pro307=; no amino-acid change (proline 307 retained).
Molecular consequence: synonymous variant.
Genome position (GRCh38, 1-based): chr9:134,728,804, C>T. VCF-style: chr9-134728804-C-T. GRCh37 (hg19) VCF-style: chr9-137620650-C-T.
Other names: p.Pro307=; c.921C>T, p.Pro307= (NM_001278074.1).
Identifiers: ClinVar variation 459722 (VCV000459722.21), dbSNP rs144335980, ClinGen allele CA5318569.

ClinVar aggregate classification (germline): Conflicting classifications of pathogenicity. Review status: criteria provided, conflicting classifications (1 of 4 stars). 6 submissions from 6 submitters: Uncertain significance (1); Likely benign (4). 1 of the submissions does not count toward it. Last evaluated 2026-07-01.

Conditions:
Ehlers-Danlos syndrome, classic type, 1 (EDSCL1). Also called: EDS I; Ehlers-Danlos syndrome, type 1; Ehlers-Danlos Syndrome, Classic Type, COL5A1-Related; EHLERS-DANLOS SYNDROME, GRAVIS TYPE; EHLERS-DANLOS SYNDROME, SEVERE CLASSIC TYPE. Identifiers: MedGen C0268335, MONDO:0019567, OMIM 130000.
COL5A1-related disorder. Also called: COL5A1-related condition.
Familial thoracic aortic aneurysm and aortic dissection (TAAD). Also called: Thoracic aortic aneurysms and dissections. Identifiers: Orphanet 91387, MedGen C4707243, MONDO:0019625.

Allele frequency attached by ClinVar (database versions not stated): gnomAD exomes 0.00004 and 0.00008; ExAC 0.00012; 1000 Genomes Project 30x 0.00016; gnomAD 0.00019 and 0.00021; TOPMed 0.00019; 1000 Genomes Project 0.00020; ESP Exome Variant Server 0.00023.
gnomAD v4.1: 99 of 1,614,094 alleles (0.0061%); highest among the groups gnomAD compares: African/African-American, 0.053%; no homozygotes.

Submissions (6):

CeGaT Center for Human Genetics Tuebingen
Classification: Likely benign. Last evaluated: 2026-07-01. Review status: criteria provided, single submitter. Criteria: CeGaT Center For Human Genetics Tuebingen Variant Classification Criteria Version 2. Collection method: clinical testing. Allele origin: germline. Affected: yes. Observed: 1 variant allele.
Comment: COL5A1: BP4

Labcorp Genetics (formerly Invitae), Labcorp
Classification: Likely benign for Ehlers-Danlos syndrome, classic type, 1. Last evaluated: 2025-12-24. Review status: criteria provided, single submitter. Criteria: Invitae Variant Classification Sherloc (09022015). Collection method: clinical testing. Allele origin: germline.

Mayo Clinic Laboratories, Mayo Clinic
Classification: Likely benign. Last evaluated: 2025-10-16. Review status: criteria provided, single submitter. Criteria: ACMG Guidelines, 2015. Collection method: clinical testing. Allele origin: germline. Observed: 4 variant alleles.
Comment: BS1, BP4, BP7

Ambry Genetics
Classification: Uncertain significance for Familial thoracic aortic aneurysm and aortic dissection. Last evaluated: 2025-03-27. Review status: criteria provided, single submitter. Criteria: Ambry Variant Classification Scheme 2023. Collection method: clinical testing. Allele origin: germline.
Comment: The c.921C>T variant (also known as p.P307P), located in coding exon 6 of the COL5A1 gene, results from a C to T substitution at nucleotide position 921. This nucleotide substitution does not change the proline at codon 307. This nucleotide position is poorly conserved in available vertebrate species. In silico splice site analysis for this alteration is inconclusive. Based on the available evidence, the clinical significance of this variant remains unclear.

GeneDx
Classification: Likely benign. Last evaluated: 2020-11-27. Review status: criteria provided, single submitter. Criteria: GeneDx Variant Classification Process June 2021. Collection method: clinical testing. Allele origin: germline. Affected: yes.

PreventionGenetics, part of Exact Sciences
Classification: Likely benign for COL5A1-related condition. Last evaluated: 2019-06-07. Review status: no assertion criteria provided. Collection method: clinical testing. Allele origin: germline. Not counted in ClinVar's aggregate classification.
Comment: This variant is classified as likely benign based on ACMG/AMP sequence variant interpretation guidelines (Richards et al. 2015 PMID: 25741868, with internal and published modifications).